The following is an entry in ClinVar:

ClinVar aggregate classification (germline): Benign (1 of 4 stars; one submission).

Conditions:
Leigh syndrome (NULS). Also called: Leigh's necrotizing encephalopathy; Leigh's disease; Leigh Syndrome (mtDNA deletion); Leigh Disease; Subacute necrotizing encephalopathy; Necrotizing encephalopathy infantile subacute of Leigh. Identifiers: Orphanet 506, MedGen C2931891, MONDO:0009723, OMIM 256000.

Submission:

Wong Mito Lab, Molecular and Human Genetics, Baylor College of Medicine
Classification: Benign for Leigh syndrome. Last evaluated: 2019-10-17. Review status: criteria provided, single submitter. Criteria: Modified ACMG Guidelines (Unpublished). Collection method: clinical testing. Allele origin: germline.
Comment: The NC_012920.1:m.7258T>C (YP_003024028.1:p.Ile452Thr) variant in MTCO1 gene is interpretated to be a Benign variant based on the modified ACMG guidelines (unpublished). This variant meets the following evidence codes: BS1, BS4, BP4

NC_012920.1(MT-CO1):m.7258T>C

Gene: MT-CO1 (mitochondrially encoded cytochrome c oxidase I; plus strand).
Variant type: single nucleotide variant.
Genome position: chrM-7258-T-C.
Identifiers: ClinVar variation 692722 (VCV000692722.1), dbSNP rs1556423260, ClinGen allele CA414792123.
Genomic context (GRCh38, chrMT:7,258, plus strand): 5'-GCCTATCCGGAATGCCCCGACGTTACTCGGACTACCCCGATGCATACACCACATGAAACA[T>C]CCTATCATCTGTAGGCTCATTCATTTCTCTAACAGCAGTAATATTAATAATTTTCATGAT-3'